The following is an entry in ClinVar:

ClinVar aggregate classification (germline): Uncertain significance (1 of 4 stars; one submission).

Conditions:
Epidermolysis bullosa simplex, Ogna type (EBS5A). Also called: Pidermolysis bullosa simplex 5A, Ogna type; EPIDERMOLYSIS BULLOSA SIMPLEX 5A, OGNA TYPE. Identifiers: Orphanet 79401, MedGen C0432317, MONDO:0007555, OMIM 131950.
Epidermolysis bullosa simplex 5C, with pyloric atresia (EBS5C). Also called: Epidermolysis bullosa simplex with pyloric atresia; PLEC-Related Epidermolysis Bullosa with Pyloric Atresia; PLEC1-Related Epidermolysis Bullosa with Pyloric Atresia. Identifiers: Orphanet 158684, MedGen C2677349, MONDO:0012807, OMIM 612138.
Epidermolysis bullosa simplex with nail dystrophy (EBS5D). Identifiers: MedGen C4225309, MONDO:0014661, OMIM 616487.
Epidermolysis bullosa simplex 5B, with muscular dystrophy (EBS5B). Also called: EPIDERMOLYSIS BULLOSA SIMPLEX AND LIMB-GIRDLE MUSCULAR DYSTROPHY; Epidermolysis bullosa simplex with muscular dystrophy. Identifiers: Orphanet 257, MedGen C2931072, MONDO:0009181, OMIM 226670.
Autosomal recessive limb-girdle muscular dystrophy type 2Q (LGMDR17). Also called: MUSCULAR DYSTROPHY, LIMB-GIRDLE, AUTOSOMAL RECESSIVE 17. Identifiers: Orphanet 254361, MedGen C3150989, MONDO:0013390, OMIM 613723.

gnomAD v4.1: 45 of 1,610,558 alleles (0.0028%); highest among the groups gnomAD compares: Non-Finnish European, 0.0036%; no homozygotes.

Submission:

Labcorp Genetics (formerly Invitae), Labcorp
Classification: Uncertain significance for Autosomal recessive limb-girdle muscular dystrophy type 2Q; Epidermolysis bullosa simplex, Ogna type; Epidermolysis bullosa simplex with nail dystrophy; Epidermolysis bullosa simplex 5C, with pyloric atresia; Epidermolysis bullosa simplex 5B, with muscular dystrophy. Last evaluated: 2021-09-02. Review status: criteria provided, single submitter. Criteria: Invitae Variant Classification Sherloc (09022015). Collection method: clinical testing. Allele origin: germline.
Comment: This sequence change replaces phenylalanine with leucine at codon 2200 of the PLEC protein (p.Phe2200Leu). The phenylalanine residue is moderately conserved and there is a small physicochemical difference between phenylalanine and leucine. This variant is present in population databases (rs782289515, ExAC 0.003%). This variant has not been reported in the literature in individuals affected with PLEC-related conditions. Algorithms developed to predict the effect of missense changes on protein structure and function (SIFT, PolyPhen-2, Align-GVGD) all suggest that this variant is likely to be tolerated. In summary, the available evidence is currently insufficient to determine the role of this variant in disease. Therefore, it has been classified as a Variant of Uncertain Significance.

NM_201384.3(PLEC):c.6519C>G (p.Phe2173Leu)

Gene: PLEC (plectin; minus strand). Cytogenetic location: 8q24.3.
Variant type: single nucleotide variant.
Coding change: c.6519C>G on transcript NM_201384.3 (MANE Select); coding-DNA position 6519, C replaced by G.
Protein change: p.Phe2173Leu; replaces phenylalanine 2173 with leucine.
Molecular consequence: missense variant.
Genome position (GRCh38, 1-based): chr8:143,923,410, G>C on the plus strand (C>G on the coding strand, the complement: PLEC is on the minus strand). VCF-style: chr8-143923410-G-C. GRCh37 (hg19) VCF-style: chr8-144997578-G-C.
Other names: c.6600C>G, p.Phe2200Leu (NM_000445.5); c.6477C>G, p.Phe2159Leu (NM_201378.4); c.6453C>G, p.Phe2151Leu (NM_201379.3); c.6930C>G, p.Phe2310Leu (NM_201380.4); c.6423C>G, p.Phe2141Leu (NM_201381.3); c.6519C>G, p.Phe2173Leu (NM_201382.4); c.6531C>G, p.Phe2177Leu (NM_201383.3); short protein forms F2173L, F2177L, F2200L, F2310L, F2141L, F2151L, F2159L.
Identifiers: ClinVar variation 648051 (VCV000648051.5), dbSNP rs782289515, ClinGen allele CA4925957.
Genomic context (GRCh38, chr8:143,923,410, plus strand): 5'-CAGCCGCAGTGTTGTCAGCTCCTGCTCCACCTGCGCCTTCTGCCGCAGCGTCTGCTCGGC[G>C]AATTTCTTATGCTTCTCCATCTCCGCGTCAGCTGCCTGCTTCTGCCGCAGGGCCGCCTGC-3'
Protein context (NP_958786.1, residues 2163-2183): ADAEMEKHKK[Phe2173Leu]AEQTLRQKAQ